The following is an entry in ClinVar:

ClinVar aggregate classification (germline): Uncertain significance (1 of 4 stars; one submission).

Conditions:
Multiple endocrine neoplasia, type 2 (MEN2). Identifiers: Orphanet 653, MedGen C4048306, MONDO:0019003. Disease mechanism: gain of function.

Submission:

Labcorp Genetics (formerly Invitae), Labcorp
Classification: Uncertain significance for Multiple endocrine neoplasia, type 2. Last evaluated: 2024-12-30. Review status: criteria provided, single submitter. Criteria: Invitae Variant Classification Sherloc (09022015). Collection method: clinical testing. Allele origin: germline.
Comment: This sequence change replaces valine, which is neutral and non-polar, with isoleucine, which is neutral and non-polar, at codon 642 of the RET protein (p.Val642Ile). This variant is not present in population databases (gnomAD no frequency). This variant has not been reported in the literature in individuals affected with RET-related conditions. ClinVar contains an entry for this variant (Variation ID: 2056611). An algorithm developed to predict the effect of missense changes on protein structure and function outputs the following: PolyPhen-2: "Benign". The isoleucine amino acid residue is found in multiple mammalian species, which suggests that this missense change does not adversely affect protein function. In summary, the available evidence is currently insufficient to determine the role of this variant in disease. Therefore, it has been classified as a Variant of Uncertain Significance.

NM_020975.6(RET):c.1924G>A (p.Val642Ile)

Gene: RET (ret proto-oncogene; plus strand). Cytogenetic location: 10q11.21.
Variant type: single nucleotide variant.
Coding change: c.1924G>A on transcript NM_020975.6 (MANE Select); coding-DNA position 1924, G replaced by A.
Protein change: p.Val642Ile; replaces valine 642 with isoleucine.
Molecular consequence: missense variant.
Genome position (GRCh38, 1-based): chr10:43,114,524, G>A. VCF-style: chr10-43114524-G-A. GRCh37 (hg19) VCF-style: chr10-43609972-G-A.
Other names: c.1924G>A, p.Val642Ile (NM_000323.2, NM_001406743.1, NM_020629.2 and 4 more transcripts); c.1162G>A, p.Val388Ile (NM_001355216.2); c.1486G>A, p.Val496Ile (NM_001406771.1, NM_001406773.1); c.1528G>A, p.Val510Ile (NM_001406772.1, NM_001406769.1); c.1399G>A, p.Val467Ile (NM_001406774.1); c.1198G>A, p.Val400Ile (NM_001406775.1, NM_001406776.1, NM_001406777.1 and 1 more transcripts); c.1027G>A, p.Val343Ile (NM_001406779.1, NM_001406780.1, NM_001406781.1 and 1 more transcripts); c.619G>A, p.Val207Ile (NM_001406791.1); and 7 more; short protein forms V300I, V303I, V312I, V467I, V546I, V159I, V207I, V247I.
Identifiers: ClinVar variation 2056611 (VCV002056611.4), dbSNP rs759073728, ClinGen allele CA376552946.